The following is an entry in ClinVar:

ClinVar aggregate classification (germline): Likely benign (1 of 4 stars; one submission).

Submission:

CeGaT Center for Human Genetics Tuebingen
Classification: Likely benign. Last evaluated: 2026-04-01. Review status: criteria provided, single submitter. Criteria: CeGaT Center For Human Genetics Tuebingen Variant Classification Criteria Version 2. Collection method: clinical testing. Allele origin: germline. Affected: yes. Observed: 1 variant allele.
Comment: TCHH: BP4, BP7

NM_007113.4(TCHH):c.3216G>A (p.Arg1072=)

Gene: TCHH (trichohyalin; minus strand). Cytogenetic location: 1q21.3.
Variant type: single nucleotide variant.
Coding change: c.3216G>A on transcript NM_007113.4 (MANE Select); coding-DNA position 3216, G replaced by A.
Protein change: p.Arg1072=; no amino-acid change (arginine 1072 retained).
Molecular consequence: synonymous variant.
Genome position (GRCh38, 1-based): chr1:152,110,001, C>T on the plus strand (G>A on the coding strand, the complement: TCHH is on the minus strand). VCF-style: chr1-152110001-C-T. GRCh37 (hg19) VCF-style: chr1-152082477-C-T.
Identifiers: ClinVar variation 4872196 (VCV004872196.2).